The following is an entry in ClinVar:

NM_025136.4(OPA3):c.*3212G>A

Genes: OPA3-RTN2 (OPA3-RTN2 readthrough; minus strand), OPA3 (outer mitochondrial membrane lipid metabolism regulator OPA3; minus strand). Cytogenetic location: 19q13.32.
Variant type: single nucleotide variant.
Coding change: c.*3212G>A on transcript NM_025136.4 (MANE Select); 3212 bases downstream of the stop codon, G replaced by A.
Molecular consequence: 3 prime UTR variant. On other transcripts: intron variant (1).
Genome position (GRCh38, 1-based): chr19:45,550,302, C>T on the plus strand (G>A on the coding strand, the complement: OPA3 is on the minus strand). VCF-style: chr19-45550302-C-T. GRCh37 (hg19) VCF-style: chr19-46053560-C-T.
Other names: c.143-20846G>A (NM_001017989.3).
Identifiers: ClinVar variation 329629 (VCV000329629.9), dbSNP rs79317386, ClinGen allele CA10652575.

ClinVar aggregate classification (germline): Benign. Review status: criteria provided, multiple submitters, no conflicts (2 of 4 stars). 4 submissions from 3 submitters: Benign (4). Last evaluated 2021-05-14.

Conditions:
3-Methylglutaconic aciduria type 3 (MGCA3). Also called: OPA3, AUTOSOMAL RECESSIVE; OPTIC ATROPHY 3, AUTOSOMAL RECESSIVE; Costeff Syndrome; OPA3-Related 3-Methylglutaconic Aciduria. Identifiers: Orphanet 67047, MedGen C0574084, MONDO:0009787, OMIM 258501.
Optic atrophy 3 (OPA3). Also called: OPTIC ATROPHY 3, AUTOSOMAL DOMINANT; Optic atrophy, cataract, and neurologic disorder; Optic atrophy 3 with cataract. Identifiers: Orphanet 67036, MedGen C1833809, MONDO:0008133, OMIM 165300.

Allele frequency attached by ClinVar (database versions not stated): 1000 Genomes Project 30x 0.09213; 1000 Genomes Project 0.09445; TOPMed 0.10832; gnomAD 0.11204 and 0.11233; gnomAD exomes 0.14169.
gnomAD v4.1: 134,807 of 985,416 alleles (14%); highest among the groups gnomAD compares: Middle Eastern, 16%; 9,416 homozygotes.

Submissions (4):

GeneDx
Classification: Benign. Last evaluated: 2021-05-14. Review status: criteria provided, single submitter. Criteria: GeneDx Variant Classification Process June 2021. Collection method: clinical testing. Allele origin: germline. Affected: yes.

Illumina Laboratory Services, Illumina
Classification: Benign for Optic atrophy 3. Last evaluated: 2018-01-13. Review status: criteria provided, single submitter. Criteria: ICSL Variant Classification Criteria 13 December 2019. Collection method: clinical testing. Allele origin: germline.
Comment: This variant was observed in the ICSL laboratory as part of a predisposition screen in an ostensibly healthy population. It had not been previously curated by ICSL or reported in the Human Gene Mutation Database (HGMD: prior to June 1st, 2018), and was therefore a candidate for classification through an automated scoring system. Utilizing variant allele frequency, disease prevalence and penetrance estimates, and inheritance mode, an automated score was calculated to assess if this variant is too frequent to cause the disease. Based on the score and internal cut-off values, a variant classified as benign is not then subjected to further curation. The score for this variant resulted in a classification of benign for this disease.

Illumina Laboratory Services, Illumina
Classification: Benign for 3-Methylglutaconic aciduria type 3. Last evaluated: 2018-01-13. Review status: criteria provided, single submitter. Criteria: ICSL Variant Classification Criteria 13 December 2019. Collection method: clinical testing. Allele origin: germline.
Comment: the same text as in the submission from Illumina Laboratory Services, Illumina above.

Breakthrough Genomics
Classification: Benign. Review status: criteria provided, single submitter. Criteria: ACMG Guidelines, 2015. Collection method: not provided. Allele origin: germline. Inheritance: Autosomal recessive inheritance. Affected: yes.